The following is an entry in ClinVar:

ClinVar aggregate classification (germline): Benign/Likely benign. Review status: criteria provided, multiple submitters, no conflicts (2 of 4 stars). 5 submissions from 5 submitters: Benign (1); Likely benign (2). 2 of the submissions do not count toward it. Last evaluated 2025-10-06.

Conditions:
Kabuki syndrome 2 (KABUK2). Also called: KDM6A-Related Kabuki Syndrome. Identifiers: Orphanet 2322, MedGen C3275495, MONDO:0010465, OMIM 300867.

Submissions (5):

Labcorp Genetics (formerly Invitae), Labcorp
Classification: Benign for Kabuki syndrome 2. Last evaluated: 2025-10-06. Review status: criteria provided, single submitter. Criteria: Invitae Variant Classification Sherloc (09022015). Collection method: clinical testing. Allele origin: germline.

CeGaT Center for Human Genetics Tuebingen
Classification: Likely benign. Last evaluated: 2023-04-01. Review status: criteria provided, single submitter. Criteria: CeGaT Center For Human Genetics Tuebingen Variant Classification Criteria Version 2. Collection method: clinical testing. Allele origin: germline. Affected: yes. Observed: 1 variant allele.
Comment: KDM6A: BS2

GeneDx
Classification: Likely benign. Last evaluated: 2022-07-19. Review status: criteria provided, single submitter. Criteria: GeneDx Variant Classification Process June 2021. Collection method: clinical testing. Allele origin: germline. Affected: yes.
Comment: See Variant Classification Assertion Criteria.

Clinical Genetics DNA and cytogenetics Diagnostics Lab, Erasmus MC, Erasmus Medical Center
Classification: Likely benign. Review status: no assertion criteria provided. Collection method: clinical testing. Allele origin: germline. Affected: yes. Study: VKGL Data-share Consensus. Not counted in ClinVar's aggregate classification.

Diagnostic Laboratory, Department of Genetics, University Medical Center Groningen
Classification: Likely benign. Review status: no assertion criteria provided. Collection method: clinical testing. Allele origin: germline. Affected: yes. Study: VKGL Data-share Consensus. Not counted in ClinVar's aggregate classification.

NM_001291415.2(KDM6A):c.40_51dup (p.Ala14_Ala17dup)

Gene: KDM6A (lysine demethylase 6A; plus strand). Cytogenetic location: Xp11.3.
Variant type: Duplication.
Coding change: c.40_51dup on transcript NM_001291415.2 (MANE Select); coding-DNA positions 40 to 51, 12 bases duplicated (GCCGCCGCCGCT).
Protein change: p.Ala14_Ala17dup.
Molecular consequence: inframe insertion. On other transcripts: 5 prime UTR variant (1), non-coding transcript variant (1).
Genome position (GRCh38, 1-based): chrX:44,873,591-44,873,602, GCCGCCGCCGCT duplicated; duplicating any 12 consecutive bases within chrX:44,873,580-44,873,602 gives the same sequence; the c. name uses the placement nearest the transcript's 3' end. VCF-style (leftmost placement, unchanged base first): chrX-44873579-A-ACCGCCGCCGCTG. GRCh37 (hg19) VCF-style: chrX-44732825-A-ACCGCCGCCGCTG.
Other names: c.40_51dup, p.Ala14_Ala17dup (NM_001291416.2, NM_001291417.2, NM_001291418.2 and 1 more transcripts); c.-593_-582dup (NM_001291421.2).
Identifiers: ClinVar variation 1164597 (VCV001164597.36), dbSNP rs749062014, ClinGen allele CA10392093.